The following is an entry in ClinVar:

NM_018109.4(MTPAP):c.672C>A (p.Asp224Glu)

Gene: MTPAP (mitochondrial poly(A) polymerase; minus strand). Cytogenetic location: 10p11.23.
Variant type: single nucleotide variant.
Coding change: c.672C>A on transcript NM_018109.4 (MANE Select); coding-DNA position 672, C replaced by A.
Protein change: p.Asp224Glu; replaces aspartic acid 224 with glutamic acid.
Molecular consequence: missense variant.
Genome position (GRCh38, 1-based): chr10:30,336,911, G>T on the plus strand (C>A on the coding strand, the complement: MTPAP is on the minus strand). VCF-style: chr10-30336911-G-T. GRCh37 (hg19) VCF-style: chr10-30625840-G-T.
Other names: short protein forms D224E.
Identifiers: ClinVar variation 2012316 (VCV002012316.4), dbSNP rs2538463635, ClinGen allele CA376425950.

ClinVar aggregate classification (germline): Uncertain significance (1 of 4 stars; one submission).

Submission:

Labcorp Genetics (formerly Invitae), Labcorp
Classification: Uncertain significance. Last evaluated: 2022-09-26. Review status: criteria provided, single submitter. Criteria: Invitae Variant Classification Sherloc (09022015). Collection method: clinical testing. Allele origin: germline.
Comment: This sequence change replaces aspartic acid, which is acidic and polar, with glutamic acid, which is acidic and polar, at codon 224 of the MTPAP protein (p.Asp224Glu). This variant is not present in population databases (gnomAD no frequency). This variant has not been reported in the literature in individuals affected with MTPAP-related conditions. Advanced modeling of protein sequence and biophysical properties (such as structural, functional, and spatial information, amino acid conservation, physicochemical variation, residue mobility, and thermodynamic stability) performed at Invitae indicates that this missense variant is not expected to disrupt MTPAP protein function. In summary, the available evidence is currently insufficient to determine the role of this variant in disease. Therefore, it has been classified as a Variant of Uncertain Significance.